The following is an entry in ClinVar:

ClinVar aggregate classification (germline): Pathogenic (1 of 4 stars; one submission).

Submission:

Labcorp Genetics (formerly Invitae), Labcorp
Classification: Pathogenic. Last evaluated: 2023-05-15. Review status: criteria provided, single submitter. Criteria: Invitae Variant Classification Sherloc (09022015). Collection method: clinical testing. Allele origin: germline.
Comment: This sequence change creates a premature translational stop signal (p.Lys571Glyfs*6) in the CTNNA1 gene. It is expected to result in an absent or disrupted protein product. Loss-of-function variants in CTNNA1 are known to be pathogenic (PMID: 32051609, 34425242). This variant is not present in population databases (gnomAD no frequency). For these reasons, this variant has been classified as Pathogenic. This premature translational stop signal has been observed in individual(s) with diffuse gastric cancer (Invitae).

Literature cited by the submitters: PubMed 32051609; PubMed 34425242.

NM_001903.5(CTNNA1):c.1710_1711del (p.Lys571fs)

Gene: CTNNA1 (catenin alpha 1; plus strand). Cytogenetic location: 5q31.2.
Variant type: Microsatellite.
Coding change: c.1710_1711del on transcript NM_001903.5 (MANE Select); coding-DNA positions 1710 to 1711, 2 bases deleted (GA; older notation c.1710_1711delGA).
Protein change: p.Lys571fs; shifts the reading frame from lysine 571.
Molecular consequence: frameshift variant.
Genome position (GRCh38, 1-based): chr5:138,924,673-138,924,674, GA deleted; deleting any 2 consecutive bases within chr5:138,924,670-138,924,674 gives the same sequence; the c. name uses the placement nearest the transcript's 3' end. VCF-style (leftmost placement, unchanged base first): chr5-138924669-CAG-C. GRCh37 (hg19) VCF-style: chr5-138260358-CAG-C.
Other names: c.1710_1711del, p.Lys571fs (NM_001290307.3, NM_001323982.2, NM_001323983.1 and 2 more transcripts); c.1401_1402del, p.Lys468fs (NM_001290309.3); c.1341_1342del, p.Lys448fs (NM_001290310.3); c.600_601del, p.Lys201fs (NM_001290312.1, NM_001323987.1, NM_001323988.1 and 17 more transcripts); c.1617_1618del, p.Lys540fs (NM_001323986.2); c.261_262del, p.Lys88fs (NM_001324006.1, NM_001324007.1, NM_001324008.1 and 2 more transcripts); c.507_508del, p.Lys170fs (NM_001324011.1); c.357_358del, p.Lys120fs (NM_001324012.1, NM_001324013.1); short protein forms K170fs, K120fs, K468fs, K201fs, K540fs, K571fs, K448fs, K88fs.
Identifiers: ClinVar variation 1994207 (VCV001994207.4), dbSNP rs2533713057, ClinGen allele CA2580613673.